The following is an entry in ClinVar:

NM_000038.6(APC):c.2756G>T (p.Arg919Ile)

Gene: APC (APC regulator of Wnt signaling pathway; plus strand). Cytogenetic location: 5q22.2.
Variant type: single nucleotide variant.
Coding change: c.2756G>T on transcript NM_000038.6 (MANE Select); coding-DNA position 2756, G replaced by T.
Protein change: p.Arg919Ile; replaces arginine 919 with isoleucine.
Molecular consequence: missense variant.
Genome position (GRCh38, 1-based): chr5:112,838,350, G>T. VCF-style: chr5-112838350-G-T. GRCh37 (hg19) VCF-style: chr5-112174047-G-T.
Other names: c.2756G>T, p.Arg919Ile (NM_001127510.3, NM_001354895.2, NM_001407450.1); c.2702G>T, p.Arg901Ile (NM_001127511.3); c.2810G>T, p.Arg937Ile (NM_001354896.2, NM_001407447.1, NM_001407448.1 and 1 more transcripts); c.2786G>T, p.Arg929Ile (NM_001354897.2); c.2681G>T, p.Arg894Ile (NM_001354898.2); c.2672G>T, p.Arg891Ile (NM_001354899.2); c.2633G>T, p.Arg878Ile (NM_001354900.2); c.2579G>T, p.Arg860Ile (NM_001354901.2, NM_001407453.1); and 11 more; short protein forms R535I, R636I, R759I, R790I, R793I, R818I, R828I, R836I.
Identifiers: ClinVar variation 1802736 (VCV001802736.10), dbSNP rs2149876727, ClinGen allele CA16027345.

ClinVar aggregate classification (germline): Uncertain significance. Review status: criteria provided, multiple submitters, no conflicts (2 of 4 stars). 2 submissions from 2 submitters: Uncertain significance (2). Last evaluated 2025-03-04.

Conditions:
Familial adenomatous polyposis 1 (FAP1). Also called: POLYPOSIS, ADENOMATOUS INTESTINAL; FAMILIAL ADENOMATOUS POLYPOSIS 1, ATTENUATED. Identifiers: MedGen C2713442, MONDO:0021056, OMIM 175100. Disease mechanism: loss of function.

Submissions (2):

Center for Genomic Medicine, Rigshospitalet, Copenhagen University Hospital
Classification: Uncertain significance. Last evaluated: 2025-03-04. Review status: criteria provided, single submitter. Criteria: ACMG Guidelines, 2015. Collection method: clinical testing. Allele origin: germline.

Labcorp Genetics (formerly Invitae), Labcorp
Classification: Uncertain significance for Familial adenomatous polyposis 1. Last evaluated: 2023-09-11. Review status: criteria provided, single submitter. Criteria: Invitae Variant Classification Sherloc (09022015). Collection method: clinical testing. Allele origin: germline.
Comment: This variant has not been reported in the literature in individuals affected with APC-related conditions. This variant is not present in population databases (gnomAD no frequency). This sequence change replaces arginine, which is basic and polar, with isoleucine, which is neutral and non-polar, at codon 919 of the APC protein (p.Arg919Ile). ClinVar contains an entry for this variant (Variation ID: 1802736). In summary, the available evidence is currently insufficient to determine the role of this variant in disease. Therefore, it has been classified as a Variant of Uncertain Significance. Advanced modeling of protein sequence and biophysical properties (such as structural, functional, and spatial information, amino acid conservation, physicochemical variation, residue mobility, and thermodynamic stability) performed at Invitae indicates that this missense variant is not expected to disrupt APC protein function.